The following is an entry in ClinVar:

ClinVar aggregate classification (germline): Likely benign. Review status: criteria provided, multiple submitters, no conflicts (2 of 4 stars). 3 submissions from 3 submitters: Likely benign (3). Last evaluated 2026-05-17.

Conditions:
LOXHD1-related disorder. Also called: LOXHD1-related condition.

Allele frequency attached by ClinVar (database versions not stated): 1000 Genomes Project 30x 0.00016; 1000 Genomes Project 0.00020.
gnomAD v4.1: 8 of 1,551,908 alleles (0.00052%); highest among the groups gnomAD compares: East Asian, 0.0024%; no homozygotes.

Submissions (3):

PreventionGenetics, part of Exact Sciences
Classification: Likely benign for LOXHD1-related condition. Last evaluated: 2026-05-17. Review status: criteria provided, single submitter. Criteria: ACMG Guidelines, 2015. Collection method: clinical testing. Allele origin: germline.
Comment: This variant is classified as likely benign based on ACMG/AMP sequence variant interpretation guidelines (Richards et al. 2015 PMID: 25741868, with internal and published modifications).

Labcorp Genetics (formerly Invitae), Labcorp
Classification: Likely benign. Last evaluated: 2024-01-21. Review status: criteria provided, single submitter. Criteria: Invitae Variant Classification Sherloc (09022015). Collection method: clinical testing. Allele origin: germline.

Blueprint Genetics
Classification: Likely benign. Last evaluated: 2020-01-29. Review status: criteria provided, single submitter. Criteria: ACMG Guidelines, 2015. Collection method: clinical testing. Allele origin: germline.

NM_001384474.1(LOXHD1):c.5693-8C>T

Gene: LOXHD1 (lipoxygenase homology PLAT domains 1; minus strand). Cytogenetic location: 18q21.1.
Variant type: single nucleotide variant.
Coding change: c.5693-8C>T on transcript NM_001384474.1 (MANE Select); 8 bases into the intron before coding-DNA position 5693, C replaced by T.
Molecular consequence: intron variant.
Genome position (GRCh38, 1-based): chr18:46,506,031, G>A on the plus strand (C>T on the coding strand, the complement: LOXHD1 is on the minus strand). VCF-style: chr18-46506031-G-A. GRCh37 (hg19) VCF-style: chr18-44085994-G-A.
Other names: c.2360-8C>T (NM_001145472.3); c.2072-8C>T (NM_001308013.2); c.410-8C>T (NM_001173129.2, NM_001145473.3); c.5507-8C>T (NM_144612.7, NM_144612.6).
Identifiers: ClinVar variation 1133528 (VCV001133528.11), dbSNP rs544020946, ClinGen allele CA8952147.